The following is an entry in ClinVar:

ClinVar aggregate classification (germline): Pathogenic (1 of 4 stars; one submission).

Conditions:
Intellectual developmental disorder, autosomal recessive 5. Also called: Intellectual disability, autosomal recessive 5. Identifiers: Orphanet 88616, MedGen C1970199, MONDO:0012613, OMIM 611091.

Submission:

Victorian Clinical Genetics Services, Murdoch Childrens Research Institute
Classification: Pathogenic for Intellectual developmental disorder, autosomal recessive 5. Last evaluated: 2025-03-19. Review status: criteria provided, single submitter. Criteria: ACMG Guidelines, 2015. Collection method: clinical testing. Allele origin: germline. Affected: yes.
Comment: This variant is classified as Pathogenic. Evidence in support of pathogenic classification: Variant is predicted to cause nonsense-mediated decay (NMD) and loss of protein (premature termination codon is located at least 54 nucleotides upstream of the final exon-exon junction); Variant is present in gnomAD <0.01 for a recessive condition (v4: 47 heterozygote(s), 0 homozygote(s)); Other NMD-predicted variant(s) comparable to the one identified in this case have very strong previous evidence for pathogenicity (DECIPHER). Additional information: This variant is heterozygous; This gene is associated with autosomal recessive disease; Loss of function is a known mechanism of disease in this gene and is associated with autosomal recessive intellectual developmental disorder 5 (MIM#611091).

NM_017755.6(NSUN2):c.69del (p.Glu24fs)

Gene: NSUN2 (NOP2/Sun RNA methyltransferase 2; minus strand). Cytogenetic location: 5p15.31.
Variant type: Deletion.
Coding change: c.69del on transcript NM_017755.6 (MANE Select); coding-DNA position 69, one base deleted (C; older notation c.69delC).
Protein change: p.Glu24fs; shifts the reading frame from glutamic acid 24.
Molecular consequence: frameshift variant. On other transcripts: non-coding transcript variant (1).
Genome position (GRCh38, 1-based): chr5:6,632,911, G deleted on the plus strand (C on the coding strand, the reverse complement: NSUN2 is on the minus strand); the first of 2 consecutive G bases (chr5:6,632,911-6,632,912); deleting either gives the same sequence. VCF-style (leftmost placement, unchanged base first): chr5-6632910-CG-C. GRCh37 (hg19) VCF-style: chr5-6633023-CG-C.
Other names: c.69del, p.Glu24fs (NM_001193455.2); short protein forms E24fs.
Identifiers: ClinVar variation 4531997 (VCV004531997.1).